The following is an entry in ClinVar:

NM_138694.4(PKHD1):c.6116T>C (p.Leu2039Pro)

Gene: PKHD1 (PKHD1 ciliary IPT domain containing fibrocystin/polyductin; minus strand). Cytogenetic location: 6p12.2.
Variant type: single nucleotide variant.
Coding change: c.6116T>C on transcript NM_138694.4 (MANE Select); coding-DNA position 6116, T replaced by C.
Protein change: p.Leu2039Pro; replaces leucine 2039 with proline.
Molecular consequence: missense variant.
Genome position (GRCh38, 1-based): chr6:51,934,115, A>G on the plus strand (T>C on the coding strand, the complement: PKHD1 is on the minus strand). VCF-style: chr6-51934115-A-G. GRCh37 (hg19) VCF-style: chr6-51798913-A-G.
Other names: c.6116T>C, p.Leu2039Pro (NM_170724.3); short protein forms L2039P.
Identifiers: ClinVar variation 2429307 (VCV002429307.13), dbSNP rs777228780, ClinGen allele CA3852351.
Genomic context (GRCh38, chr6:51,934,115, plus strand): 5'-TTCCACTGCTAGACACAGCTCTACTTCATTTCCTCTGATCAATTGCCTCACTCACCGTGC[A>G]GAGAAAGAGTTCCATTCCTCACAGCCAGGAACTTGACTCCATAGGGAAAGAAGGGAGTTG-3'
Protein context (NP_619639.3, residues 2029-2049): FLAVRNGTLS[Leu2039Pro]HGSLPEVIVT

ClinVar aggregate classification (germline): Conflicting classifications of pathogenicity. Review status: criteria provided, conflicting classifications (1 of 4 stars). 4 submissions from 4 submitters: Pathogenic (2); Likely pathogenic (1); Uncertain significance (1). Last evaluated 2026-05-13.

Conditions:
Autosomal recessive polycystic kidney disease (ARPKD). Also called: AR polycystic kidney disease. Identifiers: Orphanet 731, Orphanet 8378, MedGen C0085548, MeSH D017044, MONDO:0009889.
Polycystic kidney disease 4 (PKD4). Also called: POLYCYSTIC KIDNEY AND HEPATIC DISEASE 1; POLYCYSTIC KIDNEY DISEASE, INFANTILE, TYPE I; PKD3; POLYCYSTIC KIDNEY DISEASE 4 WITH OR WITHOUT POLYCYSTIC LIVER DISEASE; Autosomal Recessive Polycystic Kidney Disease – PKHD1. Identifiers: MedGen C4540575, MONDO:0033004, OMIM 263200.

Allele frequency attached by ClinVar (database versions not stated): ExAC 0.00001.
gnomAD v4.1: 2 of 1,609,456 alleles (0.00012%); highest among the groups gnomAD compares: Non-Finnish European, 0.00017%; no homozygotes.

Submissions (4):

Women's Health and Genetics/Laboratory Corporation of America, LabCorp
Classification: Pathogenic for Autosomal recessive polycystic kidney disease. Last evaluated: 2026-05-13. Review status: criteria provided, single submitter. Criteria: LabCorp Variant Classification Summary - May 2015. Collection method: clinical testing. Allele origin: germline.
Comment: Variant summary: PKHD1 c.6116T>C (p.Leu2039Pro) results in a non-conservative amino acid change located in the G8 domain (IPR019316) of the encoded protein sequence. Algorithms developed to predict the effect of missense changes on protein structure and function all suggest that this variant is likely to be disruptive. The variant allele was found at a frequency of 4e-06 in 251312 control chromosomes. c.6116T>C has been observed in individuals affected with Polycystic Kidney And Hepatic Disease (example: Krall_2014). These data indicate that the variant may be associated with disease. To our knowledge, no experimental evidence demonstrating an impact on protein function has been reported. Internally validated machine learning-based Evidence Modeling of protein sequence and biophysical properties (such as structural, functional, and spatial information, amino acid conservation, physicochemical variation, residue mobility, and thermodynamic stability) indicates that this missense variant is expected to disrupt protein function with a positive predictive value of at least 95%. The following publications have been ascertained in the context of this evaluation (PMID: 24162162, 33940108). ClinVar contains an entry for this variant (Variation ID: 2429307). Based on the evidence outlined above, the variant was classified as pathogenic.

Labcorp Genetics (formerly Invitae), Labcorp
Classification: Pathogenic for Autosomal recessive polycystic kidney disease. Last evaluated: 2025-12-17. Review status: criteria provided, single submitter. Criteria: Invitae Variant Classification Sherloc (09022015). Collection method: clinical testing. Allele origin: germline.
Comment: This sequence change replaces leucine, which is neutral and non-polar, with proline, which is neutral and non-polar, at codon 2039 of the PKHD1 protein (p.Leu2039Pro). This variant is present in population databases (rs777228780, gnomAD 0.0009%). This missense change has been observed in individual(s) with polycystic kidney disease (PMID: 24162162). In at least one individual the data is consistent with being in trans (on the opposite chromosome) from a pathogenic variant. ClinVar contains an entry for this variant (Variation ID: 2429307). Invitae Evidence Modeling of protein sequence and biophysical properties (such as structural, functional, and spatial information, amino acid conservation, physicochemical variation, residue mobility, and thermodynamic stability) indicates that this missense variant is expected to disrupt PKHD1 protein function with a positive predictive value of 95%. For these reasons, this variant has been classified as Pathogenic.

Natera, Inc.
Classification: Likely pathogenic for Autosomal recessive polycystic kidney disease. Last evaluated: 2025-08-19. Review status: criteria provided, single submitter. Criteria: Natera Variant Classification Schema (03/2026). Collection method: clinical testing. Allele origin: germline.
Comment: The c.6116T>C variant in PKHD1 is a missense variant predicted to cause substitution of leucine to proline at amino acid 2039. This variant is rare in the general population with a frequency below the threshold expected for the associated phenotype(s). This variant has been observed in one or more individuals affected with the associated recessive disease, as either homozygous or compound heterozygous with a second variant (PMID: 24162162). Computational prediction algorithms indicate this variant is likely to affect gene or protein function. Given the available evidence, this variant is classified as Likely Pathogenic.

Department of Pathology and Laboratory Medicine, Sinai Health System
Classification: Uncertain significance for Polycystic kidney disease 4. Last evaluated: 2020-04-06. Review status: criteria provided, single submitter. Criteria: ACMG Guidelines, 2015. Collection method: clinical testing. Allele origin: germline. Affected: yes.

Literature cited by the submitters: PubMed 24162162 (cited by 4 submitters); PubMed 33940108 (cited by Women's Health and Genetics/Laboratory Corporation of America, LabCorp).